The following is an entry in ClinVar:

NM_001939.3(DRP2):c.959G>A (p.Arg320Gln)

Gene: DRP2 (dystrophin related protein 2; plus strand). Cytogenetic location: Xq22.1.
Variant type: single nucleotide variant.
Coding change: c.959G>A on transcript NM_001939.3 (MANE Select); coding-DNA position 959, G replaced by A.
Protein change: p.Arg320Gln; replaces arginine 320 with glutamine.
Molecular consequence: missense variant.
Genome position (GRCh38, 1-based): chrX:101,242,455, G>A. VCF-style: chrX-101242455-G-A. GRCh37 (hg19) VCF-style: chrX-100497444-G-A.
Other names: c.725G>A, p.Arg242Gln (NM_001171184.2); short protein forms R320Q, R242Q.
Identifiers: ClinVar variation 1987906 (VCV001987906.4), dbSNP rs141757725, ClinGen allele CA10472157.

ClinVar aggregate classification (germline): Uncertain significance (1 of 4 stars; one submission).

Allele frequency attached by ClinVar (database versions not stated): gnomAD exomes 0.00001; ExAC 0.00002; gnomAD 0.00010; TOPMed 0.00014; ESP Exome Variant Server 0.00028.
gnomAD v4.1: 24 of 1,207,852 alleles (0.002%); highest among the groups gnomAD compares: African/African-American, 0.026%; no homozygotes.

Submission:

Labcorp Genetics (formerly Invitae), Labcorp
Classification: Uncertain significance. Last evaluated: 2026-01-26. Review status: criteria provided, single submitter. Criteria: Invitae Variant Classification Sherloc (09022015). Collection method: clinical testing. Allele origin: germline.
Comment: This sequence change replaces arginine, which is basic and polar, with glutamine, which is neutral and polar, at codon 320 of the DRP2 protein (p.Arg320Gln). The frequency data for this variant in the population databases is considered unreliable, as metrics indicate poor data quality at this position in the gnomAD database. This variant has not been reported in the literature in individuals affected with DRP2-related conditions. ClinVar contains an entry for this variant (Variation ID: 1987906). Invitae Evidence Modeling of protein sequence and biophysical properties (such as structural, functional, and spatial information, amino acid conservation, physicochemical variation, residue mobility, and thermodynamic stability) has been performed for this missense variant. However, the output from this modeling did not meet the statistical confidence thresholds required to predict the impact of this variant on DRP2 protein function. In summary, the available evidence is currently insufficient to determine the role of this variant in disease. Therefore, it has been classified as a Variant of Uncertain Significance.